The following is an entry in ClinVar:

ClinVar aggregate classification (germline): Uncertain significance (1 of 4 stars; one submission).

Conditions:
Brugada syndrome. Also called: Sudden Unexplained Death Syndrome; Sudden Unexplained Nocturnal Death Syndrome (SUNDS); Sudden unexpected nocturnal death syndrome; Sudden unexplained nocturnal death syndrome. Identifiers: Orphanet 130, MedGen C1142166, MONDO:0015263.

Submission:

Labcorp Genetics (formerly Invitae), Labcorp
Classification: Uncertain significance for Brugada syndrome. Last evaluated: 2023-06-23. Review status: criteria provided, single submitter. Criteria: Invitae Variant Classification Sherloc (09022015). Collection method: clinical testing. Allele origin: germline.
Comment: This sequence change replaces arginine, which is basic and polar, with serine, which is neutral and polar, at codon 459 of the SCN10A protein (p.Arg459Ser). This variant is not present in population databases (gnomAD no frequency). This variant has not been reported in the literature in individuals affected with SCN10A-related conditions. ClinVar contains an entry for this variant (Variation ID: 2128811). Advanced modeling of protein sequence and biophysical properties (such as structural, functional, and spatial information, amino acid conservation, physicochemical variation, residue mobility, and thermodynamic stability) performed at Invitae indicates that this missense variant is not expected to disrupt SCN10A protein function. In summary, the available evidence is currently insufficient to determine the role of this variant in disease. Therefore, it has been classified as a Variant of Uncertain Significance.

NM_006514.4(SCN10A):c.1377G>T (p.Arg459Ser)

Gene: SCN10A (sodium voltage-gated channel alpha subunit 10; minus strand). Cytogenetic location: 3p22.2.
Variant type: single nucleotide variant.
Coding change: c.1377G>T on transcript NM_006514.4 (MANE Select); coding-DNA position 1377, G replaced by T.
Protein change: p.Arg459Ser; replaces arginine 459 with serine.
Molecular consequence: missense variant.
Genome position (GRCh38, 1-based): chr3:38,755,872, C>A on the plus strand (G>T on the coding strand, the complement: SCN10A is on the minus strand). VCF-style: chr3-38755872-C-A. GRCh37 (hg19) VCF-style: chr3-38797363-C-A.
Other names: c.1377G>T, p.Arg459Ser (NM_001293306.2, NM_001293307.2); short protein forms R459S.
Identifiers: ClinVar variation 2128811 (VCV002128811.4), dbSNP rs545511554, ClinGen allele CA352168936.